The following is an entry in ClinVar:

ClinVar aggregate classification (germline): Uncertain significance. Review status: criteria provided, multiple submitters, no conflicts (2 of 4 stars). 2 submissions from 2 submitters: Uncertain significance (2). Last evaluated 2025-07-16.

Conditions:
Inborn genetic diseases. Identifiers: MedGen C0950123, MeSH D030342.
Exostoses, multiple, type 2 (EXT2). Also called: Hereditary Multiple Osteochondromatosis, Type II; EXOSTOSES, MULTIPLE, TYPE II. Identifiers: Orphanet 321, MedGen C1851413, MONDO:0007586, OMIM 133701.

gnomAD v4.1: 13 of 1,614,208 alleles (0.00081%); highest among the groups gnomAD compares: South Asian, 0.0044%; no homozygotes.

Submissions (2):

Ambry Genetics
Classification: Uncertain significance for Inborn genetic diseases. Last evaluated: 2025-07-16. Review status: criteria provided, single submitter. Criteria: Ambry Variant Classification Scheme 2023. Collection method: clinical testing. Allele origin: germline.

Labcorp Genetics (formerly Invitae), Labcorp
Classification: Uncertain significance for Exostoses, multiple, type 2. Last evaluated: 2024-09-06. Review status: criteria provided, single submitter. Criteria: Invitae Variant Classification Sherloc (09022015). Collection method: clinical testing. Allele origin: germline.
Comment: This sequence change replaces arginine, which is basic and polar, with histidine, which is basic and polar, at codon 64 of the EXT2 protein (p.Arg64His). This variant is present in population databases (rs555206160, gnomAD 0.003%). This variant has not been reported in the literature in individuals affected with EXT2-related conditions. Invitae Evidence Modeling of protein sequence and biophysical properties (such as structural, functional, and spatial information, amino acid conservation, physicochemical variation, residue mobility, and thermodynamic stability) indicates that this missense variant is not expected to disrupt EXT2 protein function with a negative predictive value of 80%. In summary, the available evidence is currently insufficient to determine the role of this variant in disease. Therefore, it has been classified as a Variant of Uncertain Significance.

NM_207122.2(EXT2):c.191G>A (p.Arg64His)

Gene: EXT2 (exostosin glycosyltransferase 2; plus strand). Cytogenetic location: 11p11.2.
Variant type: single nucleotide variant.
Coding change: c.191G>A on transcript NM_207122.2 (MANE Select); coding-DNA position 191, G replaced by A.
Protein change: p.Arg64His; replaces arginine 64 with histidine.
Molecular consequence: missense variant.
Genome position (GRCh38, 1-based): chr11:44,107,903, G>A. VCF-style: chr11-44107903-G-A. GRCh37 (hg19) VCF-style: chr11-44129453-G-A.
Other names: c.290G>A, p.Arg97His (NM_000401.3); c.191G>A, p.Arg64His (NM_001178083.3, NM_001389628.1, NM_001389630.1); short protein forms R97H, R64H.
Identifiers: ClinVar variation 3711971 (VCV003711971.3).